The following is an entry in ClinVar:

NM_030916.3(NECTIN4):c.1387C>G (p.Pro463Ala)

Gene: NECTIN4 (nectin cell adhesion molecule 4; minus strand). Cytogenetic location: 1q23.3.
Variant type: single nucleotide variant.
Coding change: c.1387C>G on transcript NM_030916.3 (MANE Select); coding-DNA position 1387, C replaced by G.
Protein change: p.Pro463Ala; replaces proline 463 with alanine.
Molecular consequence: missense variant.
Genome position (GRCh38, 1-based): chr1:161,072,807, G>C on the plus strand (C>G on the coding strand, the complement: NECTIN4 is on the minus strand). VCF-style: chr1-161072807-G-C. GRCh37 (hg19) VCF-style: chr1-161042597-G-C.
Other names: short protein forms P463A.
Identifiers: ClinVar variation 1032240 (VCV001032240.5), dbSNP rs142579218, ClinGen allele CA1204805.

ClinVar aggregate classification (germline): Uncertain significance. Review status: criteria provided, multiple submitters, no conflicts (2 of 4 stars). 2 submissions from 2 submitters: Uncertain significance (2). Last evaluated 2025-10-06.

Conditions:
Ectodermal dysplasia-syndactyly syndrome 1 (EDSS1). Identifiers: Orphanet 247820, MedGen C3150807, MONDO:0024565, OMIM 613573.

Allele frequency attached by ClinVar (database versions not stated): TOPMed 0.00035; ESP Exome Variant Server 0.00038; gnomAD 0.00048 and 0.00049; gnomAD exomes 0.00065 and 0.00084; ExAC 0.00119.
gnomAD v4.1: 1,022 of 1,614,122 alleles (0.063%); highest among the groups gnomAD compares: South Asian, 0.14%; 3 homozygotes.

Submissions (2):

Labcorp Genetics (formerly Invitae), Labcorp
Classification: Uncertain significance. Last evaluated: 2025-10-06. Review status: criteria provided, single submitter. Criteria: Invitae Variant Classification Sherloc (09022015). Collection method: clinical testing. Allele origin: germline.
Comment: This sequence change replaces proline, which is neutral and non-polar, with alanine, which is neutral and non-polar, at codon 463 of the NECTIN4 protein (p.Pro463Ala). This variant is present in population databases (rs142579218, gnomAD 0.1%), including at least one homozygous and/or hemizygous individual. This variant has not been reported in the literature in individuals affected with NECTIN4-related conditions. ClinVar contains an entry for this variant (Variation ID: 1032240). An algorithm developed to predict the effect of missense changes on protein structure and function (PolyPhen-2) suggests that this variant is likely to be disruptive. In summary, the available evidence is currently insufficient to determine the role of this variant in disease. Therefore, it has been classified as a Variant of Uncertain Significance.

Baylor Genetics
Classification: Uncertain significance for Ectodermal dysplasia-syndactyly syndrome 1. Last evaluated: 2018-05-24. Review status: criteria provided, single submitter. Criteria: ACMG Guidelines, 2015. Collection method: clinical testing. Allele origin: paternal. Affected: yes.
Comment: This variant was determined to be of uncertain significance according to ACMG Guidelines, 2015 [PMID:25741868].